The following is an entry in ClinVar:

ClinVar aggregate classification (germline): Uncertain significance (1 of 4 stars; one submission).

Conditions:
Breast-ovarian cancer, familial, susceptibility to, 4. Identifiers: Orphanet 145, MedGen C3280345, MONDO:0013669, OMIM 614291.

gnomAD v4.1: 1 of 1,612,418 alleles (0.000062%); highest among the groups gnomAD compares: Admixed American, 0.0017%; no homozygotes.

Submission:

Labcorp Genetics (formerly Invitae), Labcorp
Classification: Uncertain significance for Breast-ovarian cancer, familial, susceptibility to, 4. Last evaluated: 2025-12-19. Review status: criteria provided, single submitter. Criteria: Invitae Variant Classification Sherloc (09022015). Collection method: clinical testing. Allele origin: germline.
Comment: This sequence change replaces proline, which is neutral and non-polar, with arginine, which is basic and polar, at codon 10 of the RAD51D protein (p.Pro10Arg). This variant is present in population databases (no rsID available, gnomAD 0.1%). This variant has not been reported in the literature in individuals affected with RAD51D-related conditions. An algorithm developed to predict the effect of missense changes on protein structure and function (PolyPhen-2) suggests that this variant is likely to be disruptive. In summary, the available evidence is currently insufficient to determine the role of this variant in disease. Therefore, it has been classified as a Variant of Uncertain Significance.

NM_002878.4(RAD51D):c.29C>G (p.Pro10Arg)

Genes: RAD51L3-RFFL (RAD51L3-RFFL readthrough; minus strand), RAD51D (RAD51 paralog D; minus strand). Cytogenetic location: 17q12.
Variant type: single nucleotide variant.
Coding change: c.29C>G on transcript NM_002878.4 (MANE Select); coding-DNA position 29, C replaced by G.
Protein change: p.Pro10Arg; replaces proline 10 with arginine.
Molecular consequence: missense variant. On other transcripts: non-coding transcript variant (2).
Genome position (GRCh38, 1-based): chr17:35,119,585, G>C on the plus strand (C>G on the coding strand, the complement: RAD51D is on the minus strand). VCF-style: chr17-35119585-G-C. GRCh37 (hg19) VCF-style: chr17-33446604-G-C.
Other names: c.29C>G, p.Pro10Arg (NM_001142571.2, NM_133629.3); short protein forms P10R.
Identifiers: ClinVar variation 4733596 (VCV004733596.1).